The following is an entry in ClinVar:

ClinVar aggregate classification (germline): Likely pathogenic (1 of 4 stars; one submission).

Conditions:
Neurofibromatosis, type 1 (NF1). Also called: NEUROFIBROMATOSIS, TYPE I, SOMATIC; VON RECKLINGHAUSEN DISEASE; Neurofibromatosis, type I; Peripheral type neurofibromatosis. Identifiers: Orphanet 636, MedGen C0027831, MONDO:0018975, OMIM 162200. Disease mechanism: loss of function.

Submission:

3billion
Classification: Likely pathogenic for Neurofibromatosis, type 1. Last evaluated: 2025-08-26. Review status: criteria provided, single submitter. Criteria: ACMG Guidelines, 2015. Collection method: clinical testing. Allele origin: germline. Affected: yes.
Comment: The variant is not observed in the gnomAD v4.1.0 dataset. Predicted Consequence/Location: Frameshift: predicted to result in a loss or disruption of normal protein function through nonsense-mediated decay (NMD) or protein truncation. Multiple pathogenic variants are reported downstream of the variant. Therefore, this variant is classified as Likely pathogenic according to the recommendation of ACMG/AMP guideline.

NM_001042492.3(NF1):c.1565_1566del (p.Thr522fs)

Gene: NF1 (neurofibromin 1; plus strand). Cytogenetic location: 17q11.2.
Variant type: Deletion.
Coding change: c.1565_1566del on transcript NM_001042492.3 (MANE Select); coding-DNA positions 1565 to 1566, 2 bases deleted (CA; older notation c.1565_1566delCA).
Protein change: p.Thr522fs; shifts the reading frame from threonine 522.
Molecular consequence: frameshift variant.
Genome position (GRCh38, 1-based): chr17:31,219,042-31,219,043, CA deleted; deleting any 2 consecutive bases within chr17:31,219,041-31,219,043 gives the same sequence; the c. name uses the placement nearest the transcript's 3' end. VCF-style (leftmost placement, unchanged base first): chr17-31219040-TAC-T. GRCh37 (hg19) VCF-style: chr17-29546058-TAC-T.
Other names: c.1565_1566del, p.Thr522fs (NM_000267.4, NM_001128147.3); short protein forms T522fs.
Identifiers: ClinVar variation 4855548 (VCV004855548.1).